The following is an entry in ClinVar:

ClinVar aggregate classification (germline): Uncertain significance. Review status: criteria provided, multiple submitters, no conflicts (2 of 4 stars). 2 submissions from 2 submitters: Uncertain significance (2). Last evaluated 2025-05-01.

Conditions:
Hereditary cancer-predisposing syndrome. Also called: Hereditary neoplastic syndrome; Hereditary Cancer Syndrome; Tumor predisposition; Neoplastic Syndromes, Hereditary. Identifiers: Orphanet 140162, MedGen C0027672, MeSH D009386, MONDO:0015356.

Submissions (2):

Ambry Genetics
Classification: Uncertain significance for Hereditary cancer-predisposing syndrome. Last evaluated: 2025-05-01. Review status: criteria provided, single submitter. Criteria: Ambry Variant Classification Scheme 2023. Collection method: clinical testing. Allele origin: germline.
Comment: The p.V566D variant (also known as c.1697T>A), located in coding exon 13 of the APC gene, results from a T to A substitution at nucleotide position 1697. The valine at codon 566 is replaced by aspartic acid, an amino acid with highly dissimilar properties. This amino acid position is conserved. In addition, in silico predictors for this gene do not accurately predict pathogenicity. Based on the available evidence, the clinical significance of this variant remains unclear.

Quest Diagnostics Nichols Institute San Juan Capistrano
Classification: Uncertain significance. Last evaluated: 2016-09-21. Review status: criteria provided, single submitter. Criteria: Quest Diagnostics criteria. Collection method: clinical testing. Allele origin: germline.

NM_000038.6(APC):c.1697T>A (p.Val566Asp)

Gene: APC (APC regulator of Wnt signaling pathway; plus strand). Cytogenetic location: 5q22.2.
Variant type: single nucleotide variant.
Coding change: c.1697T>A on transcript NM_000038.6 (MANE Select); coding-DNA position 1697, T replaced by A.
Protein change: p.Val566Asp; replaces valine 566 with aspartic acid.
Molecular consequence: missense variant.
Genome position (GRCh38, 1-based): chr5:112,828,926, T>A. VCF-style: chr5-112828926-T-A. GRCh37 (hg19) VCF-style: chr5-112164623-T-A.
Other names: c.1697T>A, p.Val566Asp (NM_001127510.3, NM_001354895.2); c.1643T>A, p.Val548Asp (NM_001127511.3); c.1751T>A, p.Val584Asp (NM_001354896.2); c.1727T>A, p.Val576Asp (NM_001354897.2); c.1622T>A, p.Val541Asp (NM_001354898.2); c.1613T>A, p.Val538Asp (NM_001354899.2); c.1574T>A, p.Val525Asp (NM_001354900.2); c.1520T>A, p.Val507Asp (NM_001354901.2); and 5 more; short protein forms V548D, V566D, V283D, V440D, V507D, V525D, V541D, V465D.
Identifiers: ClinVar variation 438867 (VCV000438867.3), dbSNP rs1554082127, ClinGen allele CA16025016.